The following is an entry in ClinVar:

NM_001394372.1(BICRA):c.1181C>T (p.Pro394Leu)

Gene: BICRA (BRD4 interacting chromatin remodeling complex associated protein; plus strand). Cytogenetic location: 19q13.33.
Variant type: single nucleotide variant.
Coding change: c.1181C>T on transcript NM_001394372.1 (MANE Select); coding-DNA position 1181, C replaced by T.
Protein change: p.Pro394Leu; replaces proline 394 with leucine.
Molecular consequence: missense variant.
Genome position (GRCh38, 1-based): chr19:47,680,351, C>T. VCF-style: chr19-47680351-C-T. GRCh37 (hg19) VCF-style: chr19-48183608-C-T.
Other names: c.1181C>T, p.Pro394Leu (NM_015711.3); short protein forms P394L.
Identifiers: ClinVar variation 2573722 (VCV002573722.1), dbSNP rs1017494973, ClinGen allele CA406612193.

ClinVar aggregate classification (germline): Uncertain significance (1 of 4 stars; one submission).

gnomAD v4.1: 1 of 1,531,544 alleles (0.000065%); highest among the groups gnomAD compares: Non-Finnish European, 0.000087%; no homozygotes.

Submission:

GeneDx
Classification: Uncertain significance. Last evaluated: 2023-01-19. Review status: criteria provided, single submitter. Criteria: GeneDx Variant Classification Process June 2021. Collection method: clinical testing. Allele origin: germline. Affected: yes.
Comment: Not observed at significant frequency in large population cohorts (gnomAD); In silico analysis supports that this missense variant has a deleterious effect on protein structure/function; Has not been previously published as pathogenic or benign to our knowledge